The following is an entry in ClinVar:

NM_018941.4(CLN8):c.686C>T (p.Pro229Leu)

Gene: CLN8 (CLN8 transmembrane ER and ERGIC protein; plus strand). Cytogenetic location: 8p23.3.
Variant type: single nucleotide variant.
Coding change: c.686C>T on transcript NM_018941.4 (MANE Select); coding-DNA position 686, C replaced by T.
Protein change: p.Pro229Leu; replaces proline 229 with leucine.
Molecular consequence: missense variant.
Genome position (GRCh38, 1-based): chr8:1,780,392, C>T. VCF-style: chr8-1780392-C-T. GRCh37 (hg19) VCF-style: chr8-1728558-C-T.
Other names: short protein forms P229L.
Identifiers: ClinVar variation 2002396 (VCV002002396.4), dbSNP rs1004080456, ClinGen allele CA170448665.
Genomic context (GRCh38, chr8:1,780,392, plus strand): 5'-ACCACATGTGGTGGGTGTGTTTCTGGCACTGGGACGGCCTGGTCAGCAGCCTGTATCTGC[C>T]TCATTTGACACTGTTCCTTGTCGGACTGGCTCTGCTTACGCTAATCATTAATCCATATTG-3'
Protein context (NP_061764.2, residues 219-239): WDGLVSSLYL[Pro229Leu]HLTLFLVGLA

ClinVar aggregate classification (germline): Uncertain significance (1 of 4 stars; one submission).

Conditions:
Neuronal ceroid lipofuscinosis. Also called: Neuronal Ceroid Lipofuscinoses. Identifiers: Orphanet 216, Orphanet 79263, MedGen C0027877, MONDO:0016295. Disease mechanism: loss of function.

Allele frequency attached by ClinVar (database versions not stated): gnomAD exomes below 0.00001.
gnomAD v4.1: 2 of 1,614,222 alleles (0.00012%); highest among the groups gnomAD compares: Non-Finnish European, 0.000085%; no homozygotes.

Submission:

Labcorp Genetics (formerly Invitae), Labcorp
Classification: Uncertain significance for Neuronal ceroid lipofuscinosis. Last evaluated: 2022-06-04. Review status: criteria provided, single submitter. Criteria: Invitae Variant Classification Sherloc (09022015). Collection method: clinical testing. Allele origin: germline.
Comment: Advanced modeling of protein sequence and biophysical properties (such as structural, functional, and spatial information, amino acid conservation, physicochemical variation, residue mobility, and thermodynamic stability) performed at Invitae indicates that this missense variant is not expected to disrupt CLN8 protein function. This sequence change replaces proline, which is neutral and non-polar, with leucine, which is neutral and non-polar, at codon 229 of the CLN8 protein (p.Pro229Leu). This variant is not present in population databases (gnomAD no frequency). This variant has not been reported in the literature in individuals affected with CLN8-related conditions. In summary, the available evidence is currently insufficient to determine the role of this variant in disease. Therefore, it has been classified as a Variant of Uncertain Significance.